The following is an entry in ClinVar:

ClinVar aggregate classification (germline): Conflicting classifications of pathogenicity. Review status: criteria provided, conflicting classifications (1 of 4 stars). 3 submissions from 3 submitters: Uncertain significance (2); Likely benign (1). Last evaluated 2023-03-23.

Conditions:
Low grade glioma. Identifiers: MedGen C1997217, MONDO:0021637.
Hereditary cancer-predisposing syndrome. Also called: Neoplastic Syndromes, Hereditary; Hereditary Cancer Syndrome; Tumor predisposition; Hereditary neoplastic syndrome. Identifiers: Orphanet 140162, MedGen C0027672, MeSH D009386, MONDO:0015356.
Hereditary breast ovarian cancer syndrome. Also called: Hereditary breast and ovarian cancer syndrome (HBOC); Hereditary breast and ovarian cancer; Breast and ovarian cancer; BRCA1- and BRCA2-Associated Hereditary Breast and Ovarian Cancer; Hereditary breast and ovarian cancer syndrome; Hereditary breast and/or ovarian cancer syndrome. Identifiers: Orphanet 145, MedGen C0677776, MeSH D061325, MONDO:0003582. Disease mechanism: loss of function.

Allele frequency attached by ClinVar (database versions not stated): gnomAD exomes below 0.00001.
gnomAD v4.1: 1 of 1,613,676 alleles (0.000062%); highest among the groups gnomAD compares: East Asian, 0.0022%; no homozygotes.

Submissions (3):

University of Washington Department of Laboratory Medicine, University of Washington
Classification: Likely benign for Hereditary cancer-predisposing syndrome. Last evaluated: 2023-03-23. Review status: criteria provided, single submitter. Criteria: Dines et al. (Genet Med. 2020). Collection method: curation. Allele origin: germline.
Comment: Missense variant in a coldspot region where missense variants are very unlikely to be pathogenic (PMID:31911673).

BRCA1 coldspot (exon 11 using historical exon numbering). Reclassification based on statistical prior probability

Labcorp Genetics (formerly Invitae), Labcorp
Classification: Uncertain significance for Hereditary breast ovarian cancer syndrome. Last evaluated: 2019-06-29. Review status: criteria provided, single submitter. Criteria: Invitae Variant Classification Sherloc (09022015). Collection method: clinical testing. Allele origin: germline.
Comment: This variant is not present in population databases (ExAC no frequency). This sequence change replaces serine with glycine at codon 803 of the BRCA1 protein (p.Ser803Gly). The serine residue is moderately conserved and there is a small physicochemical difference between serine and glycine. This variant has not been reported in the literature in individuals with BRCA1-related conditions. In summary, the available evidence is currently insufficient to determine the role of this variant in disease. Therefore, it has been classified as a Variant of Uncertain Significance. Algorithms developed to predict the effect of missense changes on protein structure and function (SIFT, PolyPhen-2, Align-GVGD) all suggest that this variant is likely to be tolerated, but these predictions have not been confirmed by published functional studies and their clinical significance is uncertain.

Laboratory of Medical Genetics Unit, Bambino Gesù Children's Hospital
Classification: Uncertain significance for Low grade glioma. Review status: criteria provided, single submitter. Criteria: ACMG Guidelines, 2015. Collection method: research. Allele origin: germline. Affected: yes.
Comment: The variant NM_007294.3 (BRCA1):c.2407A>G (p.Ser803Gly) is not reported in GnomAD and in literatute. It is annotated on Clinvar as VUS/likely benign associated with Hereditary Breast Ovarian Cancer Syndrome [RCV001215911] and Hereditary Cancer-predisposing Syndrome [RCV003158507]. It is classified as VUS according to the ACMG criteria (PM2 and BP6).

NM_007294.4(BRCA1):c.2407A>G (p.Ser803Gly)

Gene: BRCA1 (BRCA1 DNA repair associated; minus strand). Cytogenetic location: 17q21.31.
Variant type: single nucleotide variant.
Coding change: c.2407A>G on transcript NM_007294.4 (MANE Select); coding-DNA position 2407, A replaced by G.
Protein change: p.Ser803Gly; replaces serine 803 with glycine.
Molecular consequence: missense variant. On other transcripts: intron variant (137).
Genome position (GRCh38, 1-based): chr17:43,093,124, T>C on the plus strand (A>G on the coding strand, the complement: BRCA1 is on the minus strand). VCF-style: chr17-43093124-T-C. GRCh37 (hg19) VCF-style: chr17-41245141-T-C.
Other names: c.2143A>G, p.Ser715Gly (NM_001407935.1, NM_001407920.1, NM_001407921.1 and 9 more transcripts); c.2140A>G, p.Ser714Gly (NM_001407936.1, NM_001407930.1, NM_001407931.1 and 2 more transcripts); c.2284A>G, p.Ser762Gly (NM_001407937.1, NM_001407938.1, NM_001407939.1 and 19 more transcripts); c.2281A>G, p.Ser761Gly (NM_001407940.1, NM_001407941.1, NM_001407649.1 and 11 more transcripts); c.2266A>G, p.Ser756Gly (NM_001407942.1, NM_001407944.1, NM_001407945.1 and 29 more transcripts); c.2263A>G, p.Ser755Gly (NM_001407943.1, NM_001407964.1, NM_001407740.1 and 20 more transcripts); c.2074A>G, p.Ser692Gly (NM_001407946.1, NM_001407947.1, NM_001407948.1 and 6 more transcripts); c.2071A>G, p.Ser691Gly (NM_001407954.1, NM_001407955.1, NM_001407956.1 and 1 more transcripts); and 41 more; short protein forms S803G, S756G, S507G, S676G, S692G, S715G, S735G, S762G.
Identifiers: ClinVar variation 945299 (VCV000945299.22), dbSNP rs2053766204, ClinGen allele CA10597195.